The following is an entry in ClinVar:

ClinVar aggregate classification (germline): Uncertain significance. Review status: criteria provided, multiple submitters, no conflicts (2 of 4 stars). 3 submissions from 3 submitters: Uncertain significance (3). Last evaluated 2025-11-14.

Allele frequency attached by ClinVar (database versions not stated): ExAC 0.00026; gnomAD 0.00027; TOPMed 0.00029; gnomAD exomes 0.00035; ESP Exome Variant Server 0.00038.
gnomAD v4.1: 549 of 1,614,044 alleles (0.034%); highest among the groups gnomAD compares: Non-Finnish European, 0.043%; no homozygotes.

Submissions (3):

Mayo Clinic Laboratories, Mayo Clinic
Classification: Uncertain significance. Last evaluated: 2025-11-14. Review status: criteria provided, single submitter. Criteria: ACMG Guidelines, 2015. Collection method: clinical testing. Allele origin: germline. Observed: 1 variant allele.

Blueprint Genetics
Classification: Uncertain significance. Last evaluated: 2024-10-11. Review status: criteria provided, single submitter. Criteria: ACMG Guidelines, 2015. Collection method: clinical testing. Allele origin: germline.

Labcorp Genetics (formerly Invitae), Labcorp
Classification: Uncertain significance. Last evaluated: 2022-08-04. Review status: criteria provided, single submitter. Criteria: Invitae Variant Classification Sherloc (09022015). Collection method: clinical testing. Allele origin: germline.
Comment: This sequence change replaces isoleucine, which is neutral and non-polar, with valine, which is neutral and non-polar, at codon 79 of the RNF168 protein (p.Ile79Val). This variant is present in population databases (rs144821850, gnomAD 0.05%). This variant has not been reported in the literature in individuals affected with RNF168-related conditions. Algorithms developed to predict the effect of missense changes on protein structure and function output the following: SIFT: "Tolerated"; PolyPhen-2: "Benign"; Align-GVGD: "Class C0". The valine amino acid residue is found in multiple mammalian species, which suggests that this missense change does not adversely affect protein function. Algorithms developed to predict the effect of sequence changes on RNA splicing suggest that this variant may create or strengthen a splice site. In summary, the available evidence is currently insufficient to determine the role of this variant in disease. Therefore, it has been classified as a Variant of Uncertain Significance.

NM_152617.4(RNF168):c.235A>G (p.Ile79Val)

Gene: RNF168 (ring finger protein 168; minus strand). Cytogenetic location: 3q29.
Variant type: single nucleotide variant.
Coding change: c.235A>G on transcript NM_152617.4 (MANE Select); coding-DNA position 235, A replaced by G.
Protein change: p.Ile79Val; replaces isoleucine 79 with valine.
Molecular consequence: missense variant.
Genome position (GRCh38, 1-based): chr3:196,502,939, T>C on the plus strand (A>G on the coding strand, the complement: RNF168 is on the minus strand). VCF-style: chr3-196502939-T-C. GRCh37 (hg19) VCF-style: chr3-196229810-T-C.
Other names: p.Ile79Val; short protein forms I79V.
Identifiers: ClinVar variation 2057288 (VCV002057288.3), dbSNP rs144821850, ClinGen allele CA2781019.